The following is an entry in ClinVar:

NM_000400.4(ERCC2):c.2026C>G (p.Leu676Val)

Gene: ERCC2 (ERCC excision repair 2, TFIIH core complex helicase subunit; minus strand). Cytogenetic location: 19q13.32.
Variant type: single nucleotide variant.
Coding change: c.2026C>G on transcript NM_000400.4 (MANE Select); coding-DNA position 2026, C replaced by G.
Protein change: p.Leu676Val; replaces leucine 676 with valine.
Molecular consequence: missense variant.
Genome position (GRCh38, 1-based): chr19:45,352,526, G>C on the plus strand (C>G on the coding strand, the complement: ERCC2 is on the minus strand). VCF-style: chr19-45352526-G-C. GRCh37 (hg19) VCF-style: chr19-45855784-G-C.
Other names: short protein forms L676V.
Identifiers: ClinVar variation 1784654 (VCV001784654.3), dbSNP rs2513999151, ClinGen allele CA406362810.

ClinVar aggregate classification (germline): Uncertain significance (1 of 4 stars; one submission).

Conditions:
Inborn genetic diseases. Identifiers: MedGen C0950123, MeSH D030342.

Submission:

Ambry Genetics
Classification: Uncertain significance for Inborn genetic diseases. Last evaluated: 2024-10-04. Review status: criteria provided, single submitter. Criteria: Ambry Variant Classification Scheme 2023. Collection method: clinical testing. Allele origin: germline.
Comment: The p.L676V variant (also known as c.2026C>G), located in coding exon 21 of the ERCC2 gene, results from a C to G substitution at nucleotide position 2026. The leucine at codon 676 is replaced by valine, an amino acid with highly similar properties. This amino acid position is conserved. In addition, the in silico prediction for this alteration is inconclusive. Since supporting evidence is limited at this time, the clinical significance of this alteration remains unclear.